The following is an entry in ClinVar:

NM_003664.5(AP3B1):c.131A>G (p.Asn44Ser)

Gene: AP3B1 (adaptor related protein complex 3 subunit beta 1; minus strand). Cytogenetic location: 5q14.1.
Variant type: single nucleotide variant.
Coding change: c.131A>G on transcript NM_003664.5 (MANE Select); coding-DNA position 131, A replaced by G.
Protein change: p.Asn44Ser; replaces asparagine 44 with serine.
Molecular consequence: missense variant. On other transcripts: 5 prime UTR variant (1).
Genome position (GRCh38, 1-based): chr5:78,267,593, T>C on the plus strand (A>G on the coding strand, the complement: AP3B1 is on the minus strand). VCF-style: chr5-78267593-T-C. GRCh37 (hg19) VCF-style: chr5-77563417-T-C.
Other names: p.Asn44Ser; c.-17A>G (NM_001271769.2); short protein forms N44S.
Identifiers: ClinVar variation 851317 (VCV000851317.16), dbSNP rs774098325, ClinGen allele CA3317449.
Genomic context (GRCh38, chr5:78,267,593, plus strand): 5'-TTCATAGCATCCAGTTTAGCAGAATCTTTGTTGCTCTCTAACATTTGCTTTAGATCTTCA[T>C]TCCTATTACAAAAGAGAAGAAAAAAAATCCATACTTTGATTTTTATATTAGATAGCTTAA-3'
Protein context (NP_003655.3, residues 34-54): FGLFSSDLKK[Asn44Ser]EDLKQMLESN

ClinVar aggregate classification (germline): Uncertain significance. Review status: criteria provided, multiple submitters, no conflicts (2 of 4 stars). 3 submissions from 3 submitters: Uncertain significance (3). Last evaluated 2025-05-01.

Conditions:
Hermansky-Pudlak syndrome 2 (HPS2). Also called: Platelet defects and oculocutaneous albinism. Identifiers: Orphanet 183678, Orphanet 79430, MedGen C1842362, MONDO:0011997, OMIM 608233.

Allele frequency attached by ClinVar (database versions not stated): gnomAD 0.00004 and 0.00006; gnomAD exomes 0.00004 and 0.00008; ExAC 0.00005; TOPMed 0.00008.
gnomAD v4.1: 63 of 1,595,528 alleles (0.0039%); highest among the groups gnomAD compares: Middle Eastern, 0.017%; no homozygotes.

Submissions (3):

CeGaT Center for Human Genetics Tuebingen
Classification: Uncertain significance. Last evaluated: 2025-05-01. Review status: criteria provided, single submitter. Criteria: CeGaT Center For Human Genetics Tuebingen Variant Classification Criteria Version 2. Collection method: clinical testing. Allele origin: germline. Affected: yes. Observed: 1 variant allele.

Labcorp Genetics (formerly Invitae), Labcorp
Classification: Uncertain significance for Hermansky-Pudlak syndrome 2. Last evaluated: 2024-10-29. Review status: criteria provided, single submitter. Criteria: Invitae Variant Classification Sherloc (09022015). Collection method: clinical testing. Allele origin: germline.
Comment: This sequence change replaces asparagine, which is neutral and polar, with serine, which is neutral and polar, at codon 44 of the AP3B1 protein (p.Asn44Ser). This variant is present in population databases (rs774098325, gnomAD 0.01%). This variant has not been reported in the literature in individuals affected with AP3B1-related conditions. ClinVar contains an entry for this variant (Variation ID: 851317). An algorithm developed to predict the effect of missense changes on protein structure and function (PolyPhen-2) suggests that this variant¬†is likely to be tolerated. In summary, the available evidence is currently insufficient to determine the role of this variant in disease. Therefore, it has been classified as a Variant of Uncertain Significance.

Mayo Clinic Laboratories, Mayo Clinic
Classification: Uncertain significance. Last evaluated: 2024-01-19. Review status: criteria provided, single submitter. Criteria: ACMG Guidelines, 2015. Collection method: clinical testing. Allele origin: germline. Observed: 1 variant allele.
Comment: BP4